The following is an entry in ClinVar:

ClinVar aggregate classification (germline): Pathogenic (1 of 4 stars; one submission).

Conditions:
Gorlin syndrome. Also called: Nevoid Basal Cell Carcinoma Syndrome; Basal cell nevus syndrome. Identifiers: Orphanet 377, MedGen C0004779, MONDO:0007187.

Submission:

Labcorp Genetics (formerly Invitae), Labcorp
Classification: Pathogenic for Gorlin syndrome. Last evaluated: 2018-09-06. Review status: criteria provided, single submitter. Criteria: Invitae Variant Classification Sherloc (09022015). Collection method: clinical testing. Allele origin: germline.
Comment: This variant is not present in population databases (ExAC no frequency). For these reasons, this variant has been classified as Pathogenic. Loss-of-function variants in PTCH1 are known to be pathogenic (PMID: 16301862, 16419085). This variant has not been reported in the literature in individuals with PTCH1-related disease. ClinVar contains an entry for this variant (Variation ID: 409163). This sequence change creates a premature translational stop signal (p.Glu992*) in the PTCH1 gene. It is expected to result in an absent or disrupted protein product.

Literature cited by the submitters: PubMed 16301862; PubMed 16419085.

NM_000264.5(PTCH1):c.2974G>T (p.Glu992Ter)

Gene: PTCH1 (patched 1; minus strand). Cytogenetic location: 9q22.32.
Variant type: single nucleotide variant.
Coding change: c.2974G>T on transcript NM_000264.5 (MANE Select); coding-DNA position 2974, G replaced by T.
Protein change: p.Glu992Ter; replaces glutamic acid 992 with a stop codon.
Molecular consequence: nonsense. On other transcripts: non-coding transcript variant (1).
Genome position (GRCh38, 1-based): chr9:95,458,207, C>A on the plus strand (G>T on the coding strand, the complement: PTCH1 is on the minus strand). VCF-style: chr9-95458207-C-A. GRCh37 (hg19) VCF-style: chr9-98220489-C-A.
Other names: c.2776G>T, p.Glu926Ter (NM_001083602.3); c.2971G>T, p.Glu991Ter (NM_001083603.3); c.2521G>T, p.Glu841Ter (NM_001083604.3, NM_001083605.3, NM_001083606.3 and 1 more transcripts); c.2818G>T, p.Glu940Ter (NM_001354918.2); short protein forms E926*, E992*, E841*, E940*, E991*.
Identifiers: ClinVar variation 409163 (VCV000409163.8), dbSNP rs1060502278, ClinGen allele CA16612920.